The following is an entry in ClinVar:

NM_018413.6(CHST11):c.174C>T (p.Ser58=)

Gene: CHST11 (carbohydrate sulfotransferase 11; plus strand). Cytogenetic location: 12q23.3.
Variant type: single nucleotide variant.
Coding change: c.174C>T on transcript NM_018413.6 (MANE Select); coding-DNA position 174, C replaced by T.
Protein change: p.Ser58=; no amino-acid change (serine 58 retained).
Molecular consequence: synonymous variant.
Genome position (GRCh38, 1-based): chr12:104,601,961, C>T. VCF-style: chr12-104601961-C-T. GRCh37 (hg19) VCF-style: chr12-104995739-C-T.
Other names: c.159C>T, p.Ser53= (NM_001173982.2).
Identifiers: ClinVar variation 3039369 (VCV003039369.3), dbSNP rs143034625, ClinGen allele CA6756514.

ClinVar aggregate classification (germline): Likely benign. Review status: criteria provided, single submitter (1 of 4 stars). 2 submissions from 2 submitters: Likely benign (1). 1 of the submissions does not count toward it. Last evaluated 2024-09-16.

Conditions:
CHST11-related disorder. Also called: CHST11-related condition.

Allele frequency attached by ClinVar (database versions not stated): gnomAD exomes 0.00024; ExAC 0.00054; gnomAD 0.00154; 1000 Genomes Project 30x 0.00187; TOPMed 0.00191; ESP Exome Variant Server 0.00192; 1000 Genomes Project 0.00200.
gnomAD v4.1: 612 of 1,613,968 alleles (0.038%); highest among the groups gnomAD compares: African/African-American, 0.46%; 2 homozygotes.

Submissions (2):

Blueprint Genetics
Classification: Likely benign. Last evaluated: 2024-09-16. Review status: criteria provided, single submitter. Criteria: ACMG Guidelines, 2015. Collection method: clinical testing. Allele origin: germline.

PreventionGenetics, part of Exact Sciences
Classification: Likely benign for CHST11-related condition. Last evaluated: 2019-02-18. Review status: no assertion criteria provided. Collection method: clinical testing. Allele origin: germline. Not counted in ClinVar's aggregate classification.
Comment: This variant is classified as likely benign based on ACMG/AMP sequence variant interpretation guidelines (Richards et al. 2015 PMID: 25741868, with internal and published modifications).